The following is an entry in ClinVar:

ClinVar aggregate classification (germline): Uncertain significance (1 of 4 stars; one submission).

Conditions:
Familial cancer of breast. Also called: hereditary breast carcinoma; BREAST CANCER, FAMILIAL; Hereditary breast cancer. Identifiers: Orphanet 227535, MedGen C0346153, MONDO:0016419, OMIM 114480. Disease mechanism: loss of function.

Submission:

Labcorp Genetics (formerly Invitae), Labcorp
Classification: Uncertain significance for Familial cancer of breast. Last evaluated: 2022-03-16. Review status: criteria provided, single submitter. Criteria: Invitae Variant Classification Sherloc (09022015). Collection method: clinical testing. Allele origin: germline.
Comment: In summary, the available evidence is currently insufficient to determine the role of this variant in disease. Therefore, it has been classified as a Variant of Uncertain Significance. Algorithms developed to predict the effect of missense changes on protein structure and function output the following: SIFT: "Tolerated"; PolyPhen-2: "Benign"; Align-GVGD: "Class C0". The lysine amino acid residue is found in multiple mammalian species, which suggests that this missense change does not adversely affect protein function. This variant has not been reported in the literature in individuals affected with BARD1-related conditions. This variant is not present in population databases (gnomAD no frequency). This sequence change replaces asparagine, which is neutral and polar, with lysine, which is basic and polar, at codon 380 of the BARD1 protein (p.Asn380Lys).

NM_000465.4(BARD1):c.1140C>G (p.Asn380Lys)

Gene: BARD1 (BRCA1 associated RING domain 1; minus strand). Cytogenetic location: 2q35.
Variant type: single nucleotide variant.
Coding change: c.1140C>G on transcript NM_000465.4 (MANE Select); coding-DNA position 1140, C replaced by G.
Protein change: p.Asn380Lys; replaces asparagine 380 with lysine.
Molecular consequence: missense variant. On other transcripts: non-coding transcript variant (2), intron variant (3).
Genome position (GRCh38, 1-based): chr2:214,780,734, G>C on the plus strand (C>G on the coding strand, the complement: BARD1 is on the minus strand). VCF-style: chr2-214780734-G-C. GRCh37 (hg19) VCF-style: chr2-215645458-G-C.
Other names: c.1083C>G, p.Asn361Lys (NM_001282543.2); c.159-28179C>G (NM_001282548.2); c.215+16327C>G (NM_001282545.2); c.364+11563C>G (NM_001282549.2); short protein forms N380K, N361K.
Identifiers: ClinVar variation 2112900 (VCV002112900.4), dbSNP rs2106108484, ClinGen allele CA350453981.